The following is an entry in ClinVar:

NM_022436.3(ABCG5):c.804C>A (p.Phe268Leu)

Genes: ABCG5 (ATP binding cassette subfamily G member 5; minus strand), DYNC2LI1 (dynein cytoplasmic 2 light intermediate chain 1; plus strand). Cytogenetic location: 2p21.
Variant type: single nucleotide variant.
Coding change: c.804C>A on transcript NM_022436.3 (MANE Select); coding-DNA position 804, C replaced by A.
Protein change: p.Phe268Leu; replaces phenylalanine 268 with leucine.
Molecular consequence: missense variant. On other transcripts: intron variant (2).
Genome position (GRCh38, 1-based): chr2:43,824,989, G>T on the plus strand (C>A on the coding strand, the complement: ABCG5 is on the minus strand). VCF-style: chr2-43824989-G-T. GRCh37 (hg19) VCF-style: chr2-44052128-G-T.
Other names: c.*16-2397G>T (NM_001348913.2, NM_001348912.2); short protein forms F268L.
Identifiers: ClinVar variation 4842054 (VCV004842054.1).
Genomic context (GRCh38, chr2:43,824,989, plus strand): 5'-ACCGCAGTCATTGAAGAAATCAAGCATTTCCGCTGGCGTGCCACAGAAAATCAGCTCTCC[G>T]AAGCTCAGGATGGCAATTTTGTCAAAGAGCTGACCAGACAACAGACGTAGTTAGTGTGTG-3'
Protein context (NP_071881.1, residues 258-278): QLFDKIAILS[Phe268Leu]GELIFCGTPA

ClinVar aggregate classification (germline): Uncertain significance (1 of 4 stars; one submission).

Conditions:
Cardiovascular phenotype. Identifiers: MedGen CN230736.

Submission:

Ambry Genetics
Classification: Uncertain significance for Cardiovascular phenotype. Last evaluated: 2026-01-02. Review status: criteria provided, single submitter. Criteria: Ambry Variant Classification Scheme 2023. Collection method: clinical testing. Allele origin: germline.
Comment: The p.F268L variant (also known as c.804C>A), located in coding exon 7 of the ABCG5 gene, results from a C to A substitution at nucleotide position 804. The phenylalanine at codon 268 is replaced by leucine, an amino acid with highly similar properties. This amino acid position is conserved. In addition, this alteration is predicted to be tolerated by in silico analysis. Based on the available evidence, the clinical significance of this variant remains unclear.